The following is an entry in ClinVar:

NM_001023570.4(IQCB1):c.394-8A>G

Gene: IQCB1 (IQ motif containing B1; minus strand). Cytogenetic location: 3q13.33.
Variant type: single nucleotide variant.
Coding change: c.394-8A>G on transcript NM_001023570.4 (MANE Select); 8 bases into the intron before coding-DNA position 394, A replaced by G.
Molecular consequence: intron variant.
Genome position (GRCh38, 1-based): chr3:121,809,017, T>C on the plus strand (A>G on the coding strand, the complement: IQCB1 is on the minus strand). VCF-style: chr3-121809017-T-C. GRCh37 (hg19) VCF-style: chr3-121527864-T-C.
Other names: c.394-8A>G (NM_001319107.2, NM_001023571.4).
Identifiers: ClinVar variation 4987305 (VCV004987305.1).

ClinVar aggregate classification (germline): Likely benign (1 of 4 stars; one submission).

Conditions:
IQCB1-related disorder. Also called: IQCB1-related condition.

Submission:

PreventionGenetics, part of Exact Sciences
Classification: Likely benign for IQCB1-related condition. Last evaluated: 2025-07-31. Review status: criteria provided, single submitter. Criteria: ACMG Guidelines, 2015. Collection method: clinical testing. Allele origin: germline.
Comment: This variant is classified as likely benign based on ACMG/AMP sequence variant interpretation guidelines (Richards et al. 2015 PMID: 25741868, with internal and published modifications).